The following is an entry in ClinVar:

NM_001037333.3(CYFIP2):c.1550T>C (p.Ile517Thr)

Gene: CYFIP2 (cytoplasmic FMR1 interacting protein 2; plus strand). Cytogenetic location: 5q33.3.
Variant type: single nucleotide variant.
Coding change: c.1550T>C on transcript NM_001037333.3 (MANE Select); coding-DNA position 1550, T replaced by C.
Protein change: p.Ile517Thr; replaces isoleucine 517 with threonine.
Molecular consequence: missense variant.
Genome position (GRCh38, 1-based): chr5:157,320,681, T>C. VCF-style: chr5-157320681-T-C. GRCh37 (hg19) VCF-style: chr5-156747689-T-C.
Other names: c.1472T>C, p.Ile491Thr (NM_001291721.2); c.1550T>C, p.Ile517Thr (NM_001291722.2, NM_014376.4); short protein forms I491T, I517T.
Identifiers: ClinVar variation 2502004 (VCV002502004.1), dbSNP rs2532396318, ClinGen allele CA361969218.

ClinVar aggregate classification (germline): Uncertain significance (1 of 4 stars; one submission).

Allele frequency attached by ClinVar (database versions not stated): gnomAD exomes below 0.00001.
gnomAD v4.1: 1 of 1,613,962 alleles (0.000062%); highest among the groups gnomAD compares: Non-Finnish European, 0.000085%; no homozygotes.

Submission:

GeneDx
Classification: Uncertain significance. Last evaluated: 2022-11-09. Review status: criteria provided, single submitter. Criteria: GeneDx Variant Classification Process June 2021. Collection method: clinical testing. Allele origin: germline. Affected: yes.
Comment: Not observed at significant frequency in large population cohorts (gnomAD); In silico analysis supports that this missense variant does not alter protein structure/function; Has not been previously published as pathogenic or benign to our knowledge